The following is an entry in ClinVar:

ClinVar aggregate classification (germline): Benign/Likely benign. Review status: criteria provided, multiple submitters, no conflicts (2 of 4 stars). 14 submissions from 13 submitters: Benign (8); Likely benign (2). 4 of the submissions do not count toward it. Last evaluated 2026-03-01.

Conditions:
DYNC1H1-related disorder. Also called: DYNC1H1-related condition; DYNC1H1-related disorders. Identifiers: MedGen CN381529.
Autosomal dominant cerebellar ataxia. Also called: Spinocerebellar Ataxia, Dominant. Identifiers: Orphanet 99, MedGen C4087347, MONDO:0020380.
Inborn genetic diseases. Identifiers: MedGen C0950123, MeSH D030342.
Charcot-Marie-Tooth disease. Also called: Charcot-Marie-Tooth Hereditary Neuropathy; Charcot-Marie-Tooth Neuropathy. Identifiers: Orphanet 166, MedGen C0007959, MONDO:0015626.
Charcot-Marie-Tooth disease axonal type 2O. Also called: Charcot-Marie-Tooth disease, axonal, type 20; CHARCOT-MARIE-TOOTH NEUROPATHY, AXONAL, TYPE 2O; CHARCOT-MARIE-TOOTH DISEASE, AXONAL, AUTOSOMAL DOMINANT, TYPE 2O; Charcot-Marie-Tooth Neuropathy Type 2O. Identifiers: Orphanet 284232, MedGen C3280220, MONDO:0013644, OMIM 614228.

Allele frequency attached by ClinVar (database versions not stated): ESP Exome Variant Server 0.00123; gnomAD 0.00125 and 0.00141; TOPMed 0.00144; 1000 Genomes Project 0.00160; 1000 Genomes Project 30x 0.00172; gnomAD exomes 0.00197 and 0.00208; ExAC 0.00292.
gnomAD v4.1: 3,088 of 1,610,246 alleles (0.19%); highest among the groups gnomAD compares: South Asian, 0.84%; 13 homozygotes.

Submissions (14):

CeGaT Center for Human Genetics Tuebingen
Classification: Benign. Last evaluated: 2026-03-01. Review status: criteria provided, single submitter. Criteria: CeGaT Center For Human Genetics Tuebingen Variant Classification Criteria Version 2. Collection method: clinical testing. Allele origin: germline. Affected: yes. Observed: 14 variant alleles.
Comment: DYNC1H1: BP4, BS1, BS2

Labcorp Genetics (formerly Invitae), Labcorp
Classification: Benign for Charcot-Marie-Tooth disease axonal type 2O. Last evaluated: 2026-01-24. Review status: criteria provided, single submitter. Criteria: Invitae Variant Classification Sherloc (09022015). Collection method: clinical testing. Allele origin: germline.

ARUP Laboratories, Molecular Genetics and Genomics, ARUP Laboratories
Classification: Benign. Last evaluated: 2021-03-18. Review status: criteria provided, single submitter. Criteria: ARUP Molecular Germline Variant Investigation Process 2021. Collection method: clinical testing. Allele origin: germline.

Illumina Laboratory Services, Illumina
Classification: Benign for Spinocerebellar Ataxia, Dominant. Last evaluated: 2018-01-12. Review status: criteria provided, single submitter. Criteria: ICSL Variant Classification Criteria 13 December 2019. Collection method: clinical testing. Allele origin: germline.
Comment: This variant was observed in the ICSL laboratory as part of a predisposition screen in an ostensibly healthy population. It had not been previously curated by ICSL or reported in the Human Gene Mutation Database (HGMD: prior to June 1st, 2018), and was therefore a candidate for classification through an automated scoring system. Utilizing variant allele frequency, disease prevalence and penetrance estimates, and inheritance mode, an automated score was calculated to assess if this variant is too frequent to cause the disease. Based on the score and internal cut-off values, a variant classified as benign is not then subjected to further curation. The score for this variant resulted in a classification of benign for this disease.

Illumina Laboratory Services, Illumina
Classification: Benign for Charcot-Marie-Tooth disease axonal type 2O. Last evaluated: 2018-01-12. Review status: criteria provided, single submitter. Criteria: ICSL Variant Classification Criteria 13 December 2019. Collection method: clinical testing. Allele origin: germline.
Comment: the same text as in the submission from Illumina Laboratory Services, Illumina above.

Ambry Genetics
Classification: Likely benign for Inborn genetic diseases. Last evaluated: 2016-10-19. Review status: criteria provided, single submitter. Criteria: Ambry Variant Classification Scheme 2023. Collection method: clinical testing. Allele origin: germline.

Genetic Services Laboratory, University of Chicago
Classification: Benign. Last evaluated: 2015-11-16. Review status: criteria provided, single submitter. Criteria: ACMG Guidelines, 2015. Collection method: clinical testing. Allele origin: germline. Affected: no.

GeneDx
Classification: Benign. Last evaluated: 2015-06-05. Review status: criteria provided, single submitter. Criteria: GeneDx Variant Classification (06012015). Collection method: clinical testing. Allele origin: germline. Affected: yes.
Comment: This variant is considered likely benign or benign based on one or more of the following criteria: it is a conservative change, it occurs at a poorly conserved position in the protein, it is predicted to be benign by multiple in silico algorithms, and/or has population frequency not consistent with disease.

Breakthrough Genomics
Classification: Likely benign. Review status: criteria provided, single submitter. Criteria: ACMG Guidelines, 2015. Collection method: not provided. Allele origin: germline. Inheritance: Autosomal dominant inheritance. Affected: yes.

Molecular Genetics Laboratory, London Health Sciences Centre
Classification: Benign for Charcot-Marie-Tooth disease. Review status: criteria provided, single submitter. Criteria: ACMG Guidelines, 2015. Collection method: clinical testing. Allele origin: germline. Affected: yes.

PreventionGenetics, part of Exact Sciences
Classification: Benign for DYNC1H1-related condition. Last evaluated: 2019-06-05. Review status: no assertion criteria provided. Collection method: clinical testing. Allele origin: germline. Not counted in ClinVar's aggregate classification.
Comment: This variant is classified as benign based on ACMG/AMP sequence variant interpretation guidelines (Richards et al. 2015 PMID: 25741868, with internal and published modifications).

Clinical Genetics DNA and cytogenetics Diagnostics Lab, Erasmus MC, Erasmus Medical Center
Classification: Likely benign. Review status: no assertion criteria provided. Collection method: clinical testing. Allele origin: germline. Affected: yes. Study: VKGL Data-share Consensus. Not counted in ClinVar's aggregate classification.

Clinical Genetics, Academic Medical Center
Classification: Likely benign. Review status: no assertion criteria provided. Collection method: clinical testing. Allele origin: germline. Affected: yes. Study: VKGL Data-share Consensus. Not counted in ClinVar's aggregate classification.

Diagnostic Laboratory, Department of Genetics, University Medical Center Groningen
Classification: Likely benign. Review status: no assertion criteria provided. Collection method: clinical testing. Allele origin: germline. Affected: yes. Study: VKGL Data-share Consensus. Not counted in ClinVar's aggregate classification.

NM_001376.5(DYNC1H1):c.7458G>T (p.Leu2486=)

Gene: DYNC1H1 (dynein cytoplasmic 1 heavy chain 1; plus strand). Cytogenetic location: 14q32.31.
Variant type: single nucleotide variant.
Coding change: c.7458G>T on transcript NM_001376.5 (MANE Select); coding-DNA position 7458, G replaced by T.
Protein change: p.Leu2486=; no amino-acid change (leucine 2486 retained).
Molecular consequence: synonymous variant.
Genome position (GRCh38, 1-based): chr14:102,016,071, G>T. VCF-style: chr14-102016071-G-T. GRCh37 (hg19) VCF-style: chr14-102482408-G-T.
Identifiers: ClinVar variation 210878 (VCV000210878.97), dbSNP rs17541165, ClinGen allele CA208408.